The following is an entry in ClinVar:

NM_002474.3(MYH11):c.538T>C (p.Ser180Pro)

Gene: MYH11 (myosin heavy chain 11; minus strand). Cytogenetic location: 16p13.11.
Variant type: single nucleotide variant.
Coding change: c.538T>C on transcript NM_002474.3 (MANE Select); coding-DNA position 538, T replaced by C.
Protein change: p.Ser180Pro; replaces serine 180 with proline.
Molecular consequence: missense variant.
Genome position (GRCh38, 1-based): chr16:15,786,725, A>G on the plus strand (T>C on the coding strand, the complement: MYH11 is on the minus strand). VCF-style: chr16-15786725-A-G. GRCh37 (hg19) VCF-style: chr16-15880582-A-G.
Other names: c.538T>C, p.Ser180Pro (NM_001040113.2, NM_001040114.2, NM_022844.3); short protein forms S180P.
Identifiers: ClinVar variation 4756979 (VCV004756979.1).

ClinVar aggregate classification (germline): Uncertain significance (1 of 4 stars; one submission).

Conditions:
Familial thoracic aortic aneurysm and aortic dissection (TAAD). Also called: Thoracic aortic aneurysms and dissections. Identifiers: Orphanet 91387, MedGen C4707243, MONDO:0019625.

Submission:

Color Diagnostics, LLC DBA Color Health
Classification: Uncertain significance for Familial thoracic aortic aneurysm and aortic dissection. Last evaluated: 2025-06-17. Review status: criteria provided, single submitter. Criteria: ACMG Guidelines, 2015. Collection method: clinical testing. Allele origin: germline.
Comment: This missense variant replaces serine with proline at codon 180 of the MYH11 protein. Computational prediction suggests that this variant may have deleterious impact on protein structure and function. To our knowledge, functional studies have not been reported for this variant. This variant has not been reported in individuals affected with MYH11-related disorders in the literature. This variant has not been identified in the general population by the Genome Aggregation Database (gnomAD). The available evidence is insufficient to determine the role of this variant in disease conclusively. Therefore, this variant is classified as a Variant of Uncertain Significance.